The following is an entry in ClinVar:

ClinVar aggregate classification (germline): Uncertain significance (1 of 4 stars; one submission).

Conditions:
Developmental and epileptic encephalopathy, 8 (DEE8). Also called: HYPEREKPLEXIA AND EPILEPSY. Identifiers: Orphanet 163985, Orphanet 2076, MedGen C1845102, MONDO:0010375, OMIM 300607.

Submission:

Labcorp Genetics (formerly Invitae), Labcorp
Classification: Uncertain significance for Developmental and epileptic encephalopathy, 8. Last evaluated: 2021-02-17. Review status: criteria provided, single submitter. Criteria: Invitae Variant Classification Sherloc (09022015). Collection method: clinical testing. Allele origin: germline.
Comment: In summary, the available evidence is currently insufficient to determine the role of this variant in disease. Therefore, it has been classified as a Variant of Uncertain Significance. Algorithms developed to predict the effect of missense changes on protein structure and function are either unavailable or do not agree on the potential impact of this missense change (SIFT: "Deleterious"; PolyPhen-2: "Probably Damaging"; Align-GVGD: "Class C15"). This sequence change replaces aspartic acid with tyrosine at codon 236 of the ARHGEF9 protein (p.Asp236Tyr). The aspartic acid residue is highly conserved and there is a large physicochemical difference between aspartic acid and tyrosine. This variant is not present in population databases (ExAC no frequency). This variant has not been reported in the literature in individuals with ARHGEF9-related conditions.

NM_001353921.2(ARHGEF9):c.727G>T (p.Asp243Tyr)

Gene: ARHGEF9 (Cdc42 guanine nucleotide exchange factor 9; minus strand). Cytogenetic location: Xq11.1.
Variant type: single nucleotide variant.
Coding change: c.727G>T on transcript NM_001353921.2 (MANE Select); coding-DNA position 727, G replaced by T.
Protein change: p.Asp243Tyr; replaces aspartic acid 243 with tyrosine.
Molecular consequence: missense variant.
Genome position (GRCh38, 1-based): chrX:63,678,428, C>A on the plus strand (G>T on the coding strand, the complement: ARHGEF9 is on the minus strand). VCF-style: chrX-63678428-C-A. GRCh37 (hg19) VCF-style: chrX-62898308-C-A.
Other names: c.547G>T, p.Asp183Tyr (NM_001173479.2); c.400G>T, p.Asp134Tyr (NM_001173480.2, NM_001369042.1); c.643G>T, p.Asp215Tyr (NM_001330495.2, NM_001353927.2, NM_001369033.1 and 8 more transcripts); c.727G>T, p.Asp243Tyr (NM_001353922.2); c.745G>T, p.Asp249Tyr (NM_001353923.1); c.526G>T, p.Asp176Tyr (NM_001353924.2, NM_001353926.2, NM_001369039.1 and 1 more transcripts); c.706G>T, p.Asp236Tyr (NM_001353928.2, NM_001369030.1, NM_001369031.1 and 2 more transcripts); c.292G>T, p.Asp98Tyr (NM_001369045.1); short protein forms D176Y, D215Y, D134Y, D243Y, D183Y, D236Y, D249Y, D98Y.
Identifiers: ClinVar variation 1462408 (VCV001462408.8), dbSNP rs782266558, ClinGen allele CA413406422.
Genomic context (GRCh38, chrX:63,678,428, plus strand): 5'-GCTCAGCCAACTGTAAGGGATACTTGCAGATCTTCTGCACTGGAGTCAAAAGGAAACCAT[C>A]GATAGCAATGTCAATCATCTGCTGCAAGAGGCGACAGGCCTCAAAGAAGTGCTGGTAGCG-3'
Protein context (NP_001340850.1, residues 233-253): LLQQMIDIAI[Asp243Tyr]GFLLTPVQKI